The following is an entry in ClinVar:

ClinVar aggregate classification (germline): Uncertain significance. Review status: criteria provided, multiple submitters, no conflicts (2 of 4 stars). 4 submissions from 4 submitters: Uncertain significance (4). Last evaluated 2025-10-18.

Conditions:
Hereditary pheochromocytoma and paraganglioma. Also called: Hereditary pheochromocytoma-paraganglioma; Hereditary paragangliomas and pheochromocytomas; Hereditary Paraganglioma-Pheochromocytoma Syndromes. Identifiers: Orphanet 29072, MedGen C4274332, MONDO:0017366.
Hereditary cancer-predisposing syndrome. Also called: Neoplastic Syndromes, Hereditary; Tumor predisposition; Hereditary Cancer Syndrome; Hereditary neoplastic syndrome. Identifiers: Orphanet 140162, MedGen C0027672, MeSH D009386, MONDO:0015356.

Allele frequency attached by ClinVar (database versions not stated): gnomAD exomes below 0.00001; TOPMed below 0.00001.
gnomAD v4.1: 1 of 1,614,138 alleles (0.000062%); highest among the groups gnomAD compares: Non-Finnish European, 0.000085%; no homozygotes.

Submissions (4):

Labcorp Genetics (formerly Invitae), Labcorp
Classification: Uncertain significance for Hereditary pheochromocytoma and paraganglioma. Last evaluated: 2025-10-18. Review status: criteria provided, single submitter. Criteria: Invitae Variant Classification Sherloc (09022015). Collection method: clinical testing. Allele origin: germline.
Comment: This sequence change creates a premature translational stop signal (p.Tyr160*) in the SDHAF2 gene. While this is not anticipated to result in nonsense mediated decay, it is expected to disrupt the last 7 amino acid(s) of the SDHAF2 protein. This variant is not present in population databases (gnomAD no frequency). This variant has not been reported in the literature in individuals affected with SDHAF2-related conditions. ClinVar contains an entry for this variant (Variation ID: 1743247). Experimental studies and prediction algorithms are not available or were not evaluated, and the functional significance of this variant is currently unknown. In summary, the available evidence is currently insufficient to determine the role of this variant in disease. Therefore, it has been classified as a Variant of Uncertain Significance.

Color Diagnostics, LLC DBA Color Health
Classification: Uncertain significance for Hereditary pheochromocytoma and paraganglioma. Last evaluated: 2025-06-30. Review status: criteria provided, single submitter. Criteria: ACMG Guidelines, 2015. Collection method: clinical testing. Allele origin: germline.
Comment: This variant changes 1 nucleotide in exon 4 of the SDHAF2 gene, creating a premature translation stop signal in the last exon. This variant is expected to result in the expression of truncated protein lacking the last 7 amino acids in the C-terminus. To our knowledge, functional studies have not been reported for this variant. This variant has not been reported in individuals affected with SDHAF2-related disorders in the literature. This variant has not been identified in the general population by the Genome Aggregation Database (gnomAD). The available evidence is insufficient to determine the role of this variant in disease conclusively. Therefore, this variant is classified as a Variant of Uncertain Significance.

Ambry Genetics
Classification: Uncertain significance for Hereditary cancer-predisposing syndrome. Last evaluated: 2024-10-22. Review status: criteria provided, single submitter. Criteria: Ambry Variant Classification Scheme 2023. Collection method: clinical testing. Allele origin: germline.
Comment: The p.Y160* variant (also known as c.480C>A), located in coding exon 4 of the SDHAF2 gene, results from a C to A substitution at nucleotide position 480. This changes the amino acid from a tyrosine to a stop codon within coding exon 4. This alteration occurs at the 3' terminus of SDHAF2 gene, is not expected to trigger nonsense-mediated mRNAdecay, and only impacts the last 7 amino acids of the protein. The exact functional effect of this alteration is unknown. This alteration was identified in 1/1358 non-cancer control individuals and in 0/57 cases, in a study looking at cancer predisposition mutations in patients with cutaneous melanoma and a history of at least two additional non-cutaneous melanoma primary cancers (Pritchard AL et al. PLoS One, 2018 Apr;13:e0194098). Since supporting evidence is limited at this time, the clinical significance of this alteration remains unclear.

All of Us Research Program, National Institutes of Health
Classification: Uncertain significance for Hereditary pheochromocytoma and paraganglioma. Last evaluated: 2024-06-11. Review status: criteria provided, single submitter. Criteria: ACMG Guidelines, 2015. Collection method: clinical testing. Allele origin: germline. Inheritance: Autosomal dominant inheritance. Observed: 1 variant allele, 1 heterozygote.
Comment: This study involves interpretation of variants in research participants for the purpose of population health screening. Participant phenotype was not available at the time of variant classification. Additional details can be found in publication PMID: 35346344, PMCID: PMC8962531

Literature cited by the submitters: PubMed 29641532 (cited by Ambry Genetics).

NM_017841.4(SDHAF2):c.480C>A (p.Tyr160Ter)

Gene: SDHAF2 (succinate dehydrogenase complex assembly factor 2; plus strand). Cytogenetic location: 11q12.2.
Variant type: single nucleotide variant.
Coding change: c.480C>A on transcript NM_017841.4 (MANE Select); coding-DNA position 480, C replaced by A.
Protein change: p.Tyr160Ter; replaces tyrosine 160 with a stop codon.
Molecular consequence: nonsense.
Genome position (GRCh38, 1-based): chr11:61,446,050, C>A. VCF-style: chr11-61446050-C-A. GRCh37 (hg19) VCF-style: chr11-61213522-C-A.
Other names: short protein forms Y160*.
Identifiers: ClinVar variation 1743247 (VCV001743247.8), dbSNP rs1862133697, ClinGen allele CA380685578.